The following is an entry in ClinVar:

ClinVar aggregate classification (germline): Uncertain significance. Review status: criteria provided, multiple submitters, no conflicts (2 of 4 stars). 2 submissions from 2 submitters: Uncertain significance (2). Last evaluated 2025-10-29.

Conditions:
Inborn genetic diseases. Identifiers: MedGen C0950123, MeSH D030342.

gnomAD v4.1: 6 of 1,566,458 alleles (0.00038%); highest among the groups gnomAD compares: African/African-American, 0.0068%; no homozygotes.

Submissions (2):

Ambry Genetics
Classification: Uncertain significance for Inborn genetic diseases. Last evaluated: 2025-10-29. Review status: criteria provided, single submitter. Criteria: Ambry Variant Classification Scheme 2023. Collection method: clinical testing. Allele origin: germline.

Labcorp Genetics (formerly Invitae), Labcorp
Classification: Uncertain significance. Last evaluated: 2025-10-01. Review status: criteria provided, single submitter. Criteria: Invitae Variant Classification Sherloc (09022015). Collection method: clinical testing. Allele origin: germline.
Comment: This sequence change replaces proline, which is neutral and non-polar, with serine, which is neutral and polar, at codon 438 of the AHDC1 protein (p.Pro438Ser). The frequency data for this variant in the population databases is considered unreliable, as metrics indicate poor data quality at this position in the gnomAD database. This variant has not been reported in the literature in individuals affected with AHDC1-related conditions. An algorithm developed to predict the effect of missense changes on protein structure and function outputs the following: PolyPhen-2: "Possibly Damaging". The serine amino acid residue is found in multiple mammalian species, which suggests that this missense change does not adversely affect protein function. In summary, the available evidence is currently insufficient to determine the role of this variant in disease. Therefore, it has been classified as a Variant of Uncertain Significance.

NM_001371928.1(AHDC1):c.1312C>T (p.Pro438Ser)

Gene: AHDC1 (AT-hook DNA binding motif containing 1; minus strand). Cytogenetic location: 1p36.11.
Variant type: single nucleotide variant.
Coding change: c.1312C>T on transcript NM_001371928.1 (MANE Select); coding-DNA position 1312, C replaced by T.
Protein change: p.Pro438Ser; replaces proline 438 with serine.
Molecular consequence: missense variant.
Genome position (GRCh38, 1-based): chr1:27,550,804, G>A on the plus strand (C>T on the coding strand, the complement: AHDC1 is on the minus strand). VCF-style: chr1-27550804-G-A. GRCh37 (hg19) VCF-style: chr1-27877315-G-A.
Other names: c.1312C>T, p.Pro438Ser (NM_001029882.3); short protein forms P438S.
Identifiers: ClinVar variation 4573138 (VCV004573138.2).